The following is an entry in ClinVar:

ClinVar aggregate classification (germline): Uncertain significance (1 of 4 stars; one submission).

gnomAD v4.1: 36 of 1,613,360 alleles (0.0022%); highest among the groups gnomAD compares: Non-Finnish European, 0.0027%; no homozygotes.

Submission:

Labcorp Genetics (formerly Invitae), Labcorp
Classification: Uncertain significance. Last evaluated: 2025-03-27. Review status: criteria provided, single submitter. Criteria: Invitae Variant Classification Sherloc (09022015). Collection method: clinical testing. Allele origin: germline.
Comment: This sequence change replaces phenylalanine, which is neutral and non-polar, with leucine, which is neutral and non-polar, at codon 246 of the PLG protein (p.Phe246Leu). This variant is present in population databases (rs146910079, gnomAD 0.006%). This variant has not been reported in the literature in individuals affected with PLG-related conditions. Invitae Evidence Modeling of protein sequence and biophysical properties (such as structural, functional, and spatial information, amino acid conservation, physicochemical variation, residue mobility, and thermodynamic stability) indicates that this missense variant is not expected to disrupt PLG protein function with a negative predictive value of 80%. In summary, the available evidence is currently insufficient to determine the role of this variant in disease. Therefore, it has been classified as a Variant of Uncertain Significance.

NM_000301.5(PLG):c.738C>A (p.Phe246Leu)

Gene: PLG (plasminogen; plus strand). Cytogenetic location: 6q26.
Variant type: single nucleotide variant.
Coding change: c.738C>A on transcript NM_000301.5 (MANE Select); coding-DNA position 738, C replaced by A.
Protein change: p.Phe246Leu; replaces phenylalanine 246 with leucine.
Molecular consequence: missense variant.
Genome position (GRCh38, 1-based): chr6:160,716,714, C>A. VCF-style: chr6-160716714-C-A. GRCh37 (hg19) VCF-style: chr6-161137746-C-A.
Other names: short protein forms F246L.
Identifiers: ClinVar variation 3713578 (VCV003713578.2).